The following is an entry in ClinVar:

NM_001267550.2(TTN):c.88117G>A (p.Glu29373Lys)

Genes: TTN (titin; minus strand), TTN-AS1 (TTN antisense RNA 1; plus strand). Cytogenetic location: 2q31.2.
Variant type: single nucleotide variant.
Coding change: c.88117G>A on transcript NM_001267550.2 (MANE Select); coding-DNA position 88117, G replaced by A.
Protein change: p.Glu29373Lys; replaces glutamic acid 29373 with lysine.
Molecular consequence: missense variant.
Genome position (GRCh38, 1-based): chr2:178,557,037, C>T on the plus strand (G>A on the coding strand, the complement: TTN is on the minus strand). VCF-style: chr2-178557037-C-T. GRCh37 (hg19) VCF-style: chr2-179421764-C-T.
Other names: c.83194G>A, p.Glu27732Lys (NM_001256850.1); c.60922G>A, p.Glu20308Lys (NM_003319.4); c.80413G>A, p.Glu26805Lys (NM_133378.4); c.61297G>A, p.Glu20433Lys (NM_133432.3); c.61498G>A, p.Glu20500Lys (NM_133437.4); short protein forms E29373K, E20433K, E27732K, E20308K, E20500K, E26805K.
Identifiers: ClinVar variation 404780 (VCV000404780.8), dbSNP rs762557803, ClinGen allele CA1988197.

ClinVar aggregate classification (germline): Uncertain significance. Review status: criteria provided, multiple submitters, no conflicts (2 of 4 stars). 5 submissions from 5 submitters: Uncertain significance (5). Last evaluated 2026-04-22.

Conditions:
TTN-related disorder. Also called: TTN-related disorders; TTN-related condition; TTN-related disease.
Autosomal recessive limb-girdle muscular dystrophy type 2J (LGMDR10). Also called: Limb-girdle muscular dystrophy, type 2J; MUSCULAR DYSTROPHY, LIMB-GIRDLE, AUTOSOMAL RECESSIVE 10. Identifiers: Orphanet 140922, MedGen C1837342, MONDO:0012127, OMIM 608807.
Dilated cardiomyopathy 1G (CMD1G). Identifiers: Orphanet 154, MedGen C1858763, MONDO:0011400, OMIM 604145.
Cardiovascular phenotype. Identifiers: MedGen CN230736.

Allele frequency attached by ClinVar (database versions not stated): gnomAD exomes 0.00003 and 0.00007; TOPMed 0.00004; ExAC 0.00006.
gnomAD v4.1: 17 of 1,613,764 alleles (0.0011%); highest among the groups gnomAD compares: Admixed American, 0.023%; no homozygotes.

Submissions (5):

PreventionGenetics, part of Exact Sciences
Classification: Uncertain significance for TTN-related condition. Last evaluated: 2026-04-22. Review status: criteria provided, single submitter. Criteria: ACMG Guidelines, 2015. Collection method: clinical testing. Allele origin: germline.
Comment: The TTN c.88117G>A variant is predicted to result in the amino acid substitution p.Glu29373Lys. To our knowledge, this variant has not been reported in the literature. This variant is reported in 0.035% of alleles in individuals of Latino descent in gnomAD. At this time, the clinical significance of this variant is uncertain due to the absence of conclusive functional and genetic evidence.

Women's Health and Genetics/Laboratory Corporation of America, LabCorp
Classification: Uncertain significance. Last evaluated: 2025-07-09. Review status: criteria provided, single submitter. Criteria: LabCorp Variant Classification Summary - May 2015. Collection method: clinical testing. Allele origin: germline.

Revvity Omics, Revvity
Classification: Uncertain significance. Last evaluated: 2024-02-05. Review status: criteria provided, single submitter. Criteria: ACMG Guidelines, 2015. Collection method: clinical testing. Allele origin: germline.

Ambry Genetics
Classification: Uncertain significance for Cardiovascular phenotype. Last evaluated: 2019-12-18. Review status: criteria provided, single submitter. Criteria: Ambry Variant Classification Scheme 2023. Collection method: clinical testing. Allele origin: germline.
Comment: The p.E20308K variant (also known as c.60922G>A), located in coding exon 157 of the TTN gene, results from a G to A substitution at nucleotide position 60922. The glutamic acid at codon 20308 is replaced by lysine, an amino acid with similar properties. This amino acid position is highly conserved in available vertebrate species. In addition, the in silico prediction for this alteration is inconclusive. Since supporting evidence is limited at this time, the clinical significance of this alteration remains unclear.

Labcorp Genetics (formerly Invitae), Labcorp
Classification: Uncertain significance for Dilated cardiomyopathy 1G; Autosomal recessive limb-girdle muscular dystrophy type 2J. Last evaluated: 2017-07-03. Review status: criteria provided, single submitter. Criteria: Invitae Variant Classification Sherloc (09022015). Collection method: clinical testing. Allele origin: germline.